The following is an entry in ClinVar:

ClinVar aggregate classification (germline): Uncertain significance. Review status: criteria provided, multiple submitters, no conflicts (2 of 4 stars). 2 submissions from 2 submitters: Uncertain significance (2). Last evaluated 2024-02-26.

Conditions:
Cenani-Lenz syndactyly syndrome. Also called: SYNDACTYLY, TYPE VII; CENANI SYNDACTYLISM. Identifiers: Orphanet 3258, MedGen C1859309, MONDO:0008931, OMIM 212780.
Sclerosteosis 2 (SOST2). Identifiers: Orphanet 3152, MedGen C3280402, MONDO:0013679, OMIM 614305.
Congenital myasthenic syndrome 17. Identifiers: Orphanet 590, MedGen C4225377, MONDO:0014578, OMIM 616304.

Allele frequency attached by ClinVar (database versions not stated): ExAC 0.00003; gnomAD 0.00007; ESP Exome Variant Server 0.00008; TOPMed 0.00008.
gnomAD v4.1: 25 of 1,613,708 alleles (0.0015%); highest among the groups gnomAD compares: African/African-American, 0.019%; no homozygotes.

Submissions (2):

Fulgent Genetics
Classification: Uncertain significance for Cenani-Lenz syndactyly syndrome; Sclerosteosis 2; Congenital myasthenic syndrome 17. Last evaluated: 2024-02-26. Review status: criteria provided, single submitter. Criteria: ACMG Guidelines, 2015. Collection method: clinical testing. Allele origin: germline.

Labcorp Genetics (formerly Invitae), Labcorp
Classification: Uncertain significance for Cenani-Lenz syndactyly syndrome; Sclerosteosis 2; Congenital myasthenic syndrome 17. Last evaluated: 2023-08-17. Review status: criteria provided, single submitter. Criteria: Invitae Variant Classification Sherloc (09022015). Collection method: clinical testing. Allele origin: germline.
Comment: This sequence change falls in intron 23 of the LRP4 gene. It does not directly change the encoded amino acid sequence of the LRP4 protein. It affects a nucleotide within the consensus splice site. This variant is present in population databases (rs374900441, gnomAD 0.02%). This variant has not been reported in the literature in individuals affected with LRP4-related conditions. ClinVar contains an entry for this variant (Variation ID: 1380303). Variants that disrupt the consensus splice site are a relatively common cause of aberrant splicing (PMID: 17576681, 9536098). Algorithms developed to predict the effect of sequence changes on RNA splicing suggest that this variant is not likely to affect RNA splicing. In summary, the available evidence is currently insufficient to determine the role of this variant in disease. Therefore, it has been classified as a Variant of Uncertain Significance.

Literature cited by the submitters: PubMed 17576681 (cited by Labcorp Genetics (formerly Invitae), Labcorp); PubMed 9536098 (cited by Labcorp Genetics (formerly Invitae), Labcorp).

NM_002334.4(LRP4):c.3277+5G>T

Gene: LRP4 (LDL receptor related protein 4; minus strand). Cytogenetic location: 11p11.2.
Variant type: single nucleotide variant.
Coding change: c.3277+5G>T on transcript NM_002334.4 (MANE Select); 5 bases into the intron after coding-DNA position 3277, G replaced by T.
Molecular consequence: intron variant.
Genome position (GRCh38, 1-based): chr11:46,877,194, C>A on the plus strand (G>T on the coding strand, the complement: LRP4 is on the minus strand). VCF-style: chr11-46877194-C-A. GRCh37 (hg19) VCF-style: chr11-46898745-C-A.
Identifiers: ClinVar variation 1380303 (VCV001380303.6), dbSNP rs374900441, ClinGen allele CA5969659.